The following is an entry in ClinVar:

NM_002691.4(POLD1):c.3310C>T (p.Pro1104Ser)

Gene: POLD1 (DNA polymerase delta 1, catalytic subunit; plus strand). Cytogenetic location: 19q13.33.
Variant type: single nucleotide variant.
Coding change: c.3310C>T on transcript NM_002691.4 (MANE Select); coding-DNA position 3310, C replaced by T.
Protein change: p.Pro1104Ser; replaces proline 1104 with serine.
Molecular consequence: missense variant. On other transcripts: non-coding transcript variant (1).
Genome position (GRCh38, 1-based): chr19:50,417,933, C>T. VCF-style: chr19-50417933-C-T. GRCh37 (hg19) VCF-style: chr19-50921190-C-T.
Other names: c.3310C>T, p.Pro1104Ser (NM_001256849.1); c.3388C>T, p.Pro1130Ser (NM_001308632.1); short protein forms P1130S, P1104S.
Identifiers: ClinVar variation 3728601 (VCV003728601.2).
Genomic context (GRCh38, chr19:50,417,933, plus strand): 5'-AAGGTGCGGAAGGACCTGGAAGACCAGGAGCAGCTCCTGCGGCGCTTCGGACCCCCTGGA[C>T]CTGAGGCCTGGTGACCTTGCAAGCATCCCATGGGGCGGGGGCGGGACCAGGGAGAATTAA-3'
Protein context (NP_002682.2, residues 1094-1107): QLLRRFGPPG[Pro1104Ser]EAW

ClinVar aggregate classification (germline): Uncertain significance (1 of 4 stars; one submission).

Conditions:
POLD1-related polyposis and colorectal cancer syndrome (CRCS10). Also called: Colorectal cancer 10; COLORECTAL CANCER, SUSCEPTIBILITY TO, ON CHROMOSOME 19q; Colorectal cancer, susceptibility to, 10. Identifiers: Orphanet 220460, MedGen C2675481, MONDO:0012953, OMIM 612591.

Submission:

Labcorp Genetics (formerly Invitae), Labcorp
Classification: Uncertain significance for POLD1-related polyposis and colorectal cancer syndrome. Last evaluated: 2025-01-07. Review status: criteria provided, single submitter. Criteria: Invitae Variant Classification Sherloc (09022015). Collection method: clinical testing. Allele origin: germline.
Comment: This sequence change replaces proline, which is neutral and non-polar, with serine, which is neutral and polar, at codon 1104 of the POLD1 protein (p.Pro1104Ser). This variant is not present in population databases (gnomAD no frequency). This variant has not been reported in the literature in individuals affected with POLD1-related conditions. An algorithm developed to predict the effect of missense changes on protein structure and function (PolyPhen-2) suggests that this variant is likely to be tolerated. In summary, the available evidence is currently insufficient to determine the role of this variant in disease. Therefore, it has been classified as a Variant of Uncertain Significance.